The following is an entry in ClinVar:

NM_001298.3(CNGA3):c.148A>G (p.Ile50Val)

Gene: CNGA3 (cyclic nucleotide gated channel subunit alpha 3; plus strand). Cytogenetic location: 2q11.2.
Variant type: single nucleotide variant.
Coding change: c.148A>G on transcript NM_001298.3 (MANE Select); coding-DNA position 148, A replaced by G.
Protein change: p.Ile50Val; replaces isoleucine 50 with valine.
Molecular consequence: missense variant.
Genome position (GRCh38, 1-based): chr2:98,377,733, A>G. VCF-style: chr2-98377733-A-G. GRCh37 (hg19) VCF-style: chr2-98994196-A-G.
Other names: c.148A>G, p.Ile50Val (NM_001079878.2); short protein forms I50V.
Identifiers: ClinVar variation 1346936 (VCV001346936.6), dbSNP rs777234482, ClinGen allele CA347830383.

ClinVar aggregate classification (germline): Uncertain significance (1 of 4 stars; one submission).

Submission:

Labcorp Genetics (formerly Invitae), Labcorp
Classification: Uncertain significance. Last evaluated: 2024-01-19. Review status: criteria provided, single submitter. Criteria: Invitae Variant Classification Sherloc (09022015). Collection method: clinical testing. Allele origin: germline.
Comment: This sequence change replaces isoleucine, which is neutral and non-polar, with valine, which is neutral and non-polar, at codon 50 of the CNGA3 protein (p.Ile50Val). This variant is not present in population databases (gnomAD no frequency). This variant has not been reported in the literature in individuals affected with CNGA3-related conditions. ClinVar contains an entry for this variant (Variation ID: 1346936). Advanced modeling of protein sequence and biophysical properties (such as structural, functional, and spatial information, amino acid conservation, physicochemical variation, residue mobility, and thermodynamic stability) performed at Invitae indicates that this missense variant is not expected to disrupt CNGA3 protein function with a negative predictive value of 95%. In summary, the available evidence is currently insufficient to determine the role of this variant in disease. Therefore, it has been classified as a Variant of Uncertain Significance.